The following is an entry in ClinVar:

NM_002439.5(MSH3):c.291del (p.Lys99fs)

Gene: MSH3 (mutS homolog 3; plus strand). Cytogenetic location: 5q14.1.
Variant type: Deletion.
Coding change: c.291del on transcript NM_002439.5 (MANE Select); coding-DNA position 291, one base deleted (T; older notation c.291delT).
Protein change: p.Lys99fs; shifts the reading frame from lysine 99.
Molecular consequence: frameshift variant.
Genome position (GRCh38, 1-based): chr5:80,656,464, T deleted; the last of 2 consecutive T bases (chr5:80,656,463-80,656,464); deleting either gives the same sequence. VCF-style (leftmost placement, unchanged base first): chr5-80656462-GT-G. GRCh37 (hg19) VCF-style: chr5-79952281-GT-G.
Other names: short protein forms K99fs.
Identifiers: ClinVar variation 4812996 (VCV004812996.1).

ClinVar aggregate classification (germline): Pathogenic (1 of 4 stars; one submission).

Conditions:
Familial adenomatous polyposis 4 (FAP4). Also called: MSH3-related attenuated familial adenomatous polyposis. Identifiers: Orphanet 480536, MedGen C4310719, MONDO:0044300, OMIM 617100.

Submission:

Myriad Genetics, Inc.
Classification: Pathogenic for Familial adenomatous polyposis 4. Last evaluated: 2025-11-20. Review status: criteria provided, single submitter. Criteria: Myriad Autosomal Dominant, Autosomal Recessive and X-Linked Classification Criteria (2023). Collection method: clinical testing. Allele origin: unknown.
Comment: This variant is considered pathogenic. This variant creates a frameshift predicted to result in premature protein truncation.